The following is an entry in ClinVar:

ClinVar aggregate classification (germline): Uncertain significance (1 of 4 stars; one submission).

Conditions:
Idiopathic generalized epilepsy. Also called: EIG; Generalised epilepsy. Identifiers: MedGen C0270850, MONDO:0005579, OMIM 600669.
Epilepsy, idiopathic generalized, susceptibility to, 13. Also called: EPILEPSY, JUVENILE MYOCLONIC, SUSCEPTIBILITY TO, 5. Identifiers: Orphanet 307, Orphanet 64280, MedGen C4013473, MONDO:0012627, OMIM 611136.
Epilepsy, childhood absence 4 (ECA4). Also called: EPILEPSY, CHILDHOOD ABSENCE, SUSCEPTIBILITY TO, 4. Identifiers: Orphanet 307, MedGen C1970160.

gnomAD v4.1: 5 of 1,611,616 alleles (0.00031%); highest among the groups gnomAD compares: Non-Finnish European, 0.00034%; no homozygotes.

Submission:

Labcorp Genetics (formerly Invitae), Labcorp
Classification: Uncertain significance for Epilepsy, childhood absence 4; Epilepsy, idiopathic generalized, susceptibility to, 13; Idiopathic generalized epilepsy. Last evaluated: 2024-05-21. Review status: criteria provided, single submitter. Criteria: Invitae Variant Classification Sherloc (09022015). Collection method: clinical testing. Allele origin: germline.
Comment: This sequence change falls in intron 3 of the GABRA1 gene. It does not directly change the encoded amino acid sequence of the GABRA1 protein. It affects a nucleotide within the consensus splice site. This variant is not present in population databases (gnomAD no frequency). This variant has not been reported in the literature in individuals affected with GABRA1-related conditions. Variants that disrupt the consensus splice site are a relatively common cause of aberrant splicing (PMID: 17576681, 9536098). Algorithms developed to predict the effect of sequence changes on RNA splicing suggest that this variant may disrupt the consensus splice site. In summary, the available evidence is currently insufficient to determine the role of this variant in disease. Therefore, it has been classified as a Variant of Uncertain Significance.

Literature cited by the submitters: PubMed 17576681; PubMed 9536098.

NM_001127644.2(GABRA1):c.74+5G>A

Gene: GABRA1 (gamma-aminobutyric acid type A receptor subunit alpha1; plus strand). Cytogenetic location: 5q34.
Variant type: single nucleotide variant.
Coding change: c.74+5G>A on transcript NM_001127644.2 (MANE Select); 5 bases into the intron after coding-DNA position 74, G replaced by A.
Molecular consequence: intron variant.
Genome position (GRCh38, 1-based): chr5:161,850,889, G>A. VCF-style: chr5-161850889-G-A. GRCh37 (hg19) VCF-style: chr5-161277895-G-A.
Other names: c.74+5G>A (NM_000806.5, NM_001127643.2, NM_001127645.2 and 1 more transcripts).
Identifiers: ClinVar variation 2931664 (VCV002931664.3), dbSNP rs960534711, ClinGen allele CA131082096.